The following is an entry in ClinVar:

ClinVar aggregate classification (germline): Uncertain significance (1 of 4 stars; one submission).

Allele frequency attached by ClinVar (database versions not stated): gnomAD exomes below 0.00001.
gnomAD v4.1: 3 of 1,614,064 alleles (0.00019%); highest among the groups gnomAD compares: Non-Finnish European, 0.00025%; no homozygotes.

Submission:

Labcorp Genetics (formerly Invitae), Labcorp
Classification: Uncertain significance. Last evaluated: 2026-01-26. Review status: criteria provided, single submitter. Criteria: Invitae Variant Classification Sherloc (09022015). Collection method: clinical testing. Allele origin: germline.
Comment: This sequence change falls in intron 11 of the P3H2 gene. It does not directly change the encoded amino acid sequence of the P3H2 protein. It affects a nucleotide within the consensus splice site. This variant is not present in population databases (gnomAD no frequency). This variant has not been reported in the literature in individuals affected with P3H2-related conditions. ClinVar contains an entry for this variant (Variation ID: 1038894). Variants that disrupt the consensus splice site are a relatively common cause of aberrant splicing (PMID: 17576681, 9536098). Algorithms developed to predict the effect of sequence changes on RNA splicing suggest that this variant may disrupt the consensus splice site. In summary, the available evidence is currently insufficient to determine the role of this variant in disease. Therefore, it has been classified as a Variant of Uncertain Significance.

Literature cited by the submitters: PubMed 17576681; PubMed 9536098.

NM_018192.4(P3H2):c.1699+4A>G

Gene: P3H2 (prolyl 3-hydroxylase 2; minus strand). Cytogenetic location: 3q28.
Variant type: single nucleotide variant.
Coding change: c.1699+4A>G on transcript NM_018192.4 (MANE Select); 4 bases into the intron after coding-DNA position 1699, A replaced by G.
Molecular consequence: intron variant.
Genome position (GRCh38, 1-based): chr3:189,972,870, T>C on the plus strand (A>G on the coding strand, the complement: P3H2 is on the minus strand). VCF-style: chr3-189972870-T-C. GRCh37 (hg19) VCF-style: chr3-189690659-T-C.
Other names: c.1156+4A>G (NM_001134418.2).
Identifiers: ClinVar variation 1038894 (VCV001038894.5), dbSNP rs1723215695, ClinGen allele CA1428588364.